The following is an entry in ClinVar:

ClinVar aggregate classification (germline): Uncertain significance (1 of 4 stars; one submission).

Allele frequency attached by ClinVar (database versions not stated): gnomAD exomes below 0.00001 and 0.00001; ExAC 0.00001.
gnomAD v4.1: 2 of 1,210,288 alleles (0.00017%); highest among the groups gnomAD compares: Admixed American, 0.0022%; no homozygotes.

Submission:

Labcorp Genetics (formerly Invitae), Labcorp
Classification: Uncertain significance. Last evaluated: 2024-12-24. Review status: criteria provided, single submitter. Criteria: Invitae Variant Classification Sherloc (09022015). Collection method: clinical testing. Allele origin: germline.
Comment: This sequence change replaces glutamine, which is neutral and polar, with histidine, which is basic and polar, at codon 54 of the NEXMIF protein (p.Gln54His). This variant is present in population databases (rs769244538, gnomAD 0.004%). This variant has not been reported in the literature in individuals affected with NEXMIF-related conditions. ClinVar contains an entry for this variant (Variation ID: 1477483). An algorithm developed to predict the effect of missense changes on protein structure and function (PolyPhen-2) suggests that this variant is likely to be tolerated. In summary, the available evidence is currently insufficient to determine the role of this variant in disease. Therefore, it has been classified as a Variant of Uncertain Significance.

NM_001008537.3(NEXMIF):c.162A>T (p.Gln54His)

Gene: NEXMIF (neurite extension and migration factor; minus strand). Cytogenetic location: Xq13.3.
Variant type: single nucleotide variant.
Coding change: c.162A>T on transcript NM_001008537.3 (MANE Select); coding-DNA position 162, A replaced by T.
Protein change: p.Gln54His; replaces glutamine 54 with histidine.
Molecular consequence: missense variant.
Genome position (GRCh38, 1-based): chrX:74,744,395, T>A on the plus strand (A>T on the coding strand, the complement: NEXMIF is on the minus strand). VCF-style: chrX-74744395-T-A. GRCh37 (hg19) VCF-style: chrX-73964230-T-A.
Other names: short protein forms Q54H.
Identifiers: ClinVar variation 1477483 (VCV001477483.6), dbSNP rs769244538, ClinGen allele CA10455244.
Genomic context (GRCh38, chrX:74,744,395, plus strand): 5'-CATACAGGGCTTCTTAGAGGGTAGAGGCAGGAGACCTCTGGGATACATCAGGGTCTCTTT[T>A]TGTGCCACCGGTGTAGGCTGGATAGGTGCAGCAGCTTCTAGAGCTGCAAATGACTTCATT-3'
Protein context (NP_001008537.1, residues 44-64): AAPIQPTPVA[Gln54His]KETLMYPRGL